The following is an entry in ClinVar:

ClinVar aggregate classification (germline): Uncertain significance (1 of 4 stars; one submission).

Conditions:
Retinitis pigmentosa 13 (RP13). Also called: PRPF 8-Related Retinitis Pigmentosa. Identifiers: Orphanet 791, MedGen C1838702, MONDO:0010806, OMIM 600059.

Submission:

Dasa
Classification: Uncertain significance for Retinitis pigmentosa 13. Last evaluated: 2025-12-15. Review status: criteria provided, single submitter. Criteria: DASA Assertion Criteria. Collection method: clinical testing. Allele origin: germline.
Comment: NM_006445.4(PRPF8):c.2713C>T (p.Leu905Phe) is a missense variant that results in the substitution of leucine with phenylalanine. This variant is rare in population databases. Computational prediction algorithms are consistent with a deleterious effect. The currently available literature and clinical evidence are not sufficient to establish a definitive association between this variant and the reported condition. Therefore, this variant is classified as a variant of uncertain significance.

NM_006445.4(PRPF8):c.2713C>T (p.Leu905Phe)

Gene: PRPF8 (pre-mRNA processing factor 8; minus strand). Cytogenetic location: 17p13.3.
Variant type: single nucleotide variant.
Coding change: c.2713C>T on transcript NM_006445.4 (MANE Select); coding-DNA position 2713, C replaced by T.
Protein change: p.Leu905Phe; replaces leucine 905 with phenylalanine.
Molecular consequence: missense variant.
Genome position (GRCh38, 1-based): chr17:1,675,779, G>A on the plus strand (C>T on the coding strand, the complement: PRPF8 is on the minus strand). VCF-style: chr17-1675779-G-A. GRCh37 (hg19) VCF-style: chr17-1579073-G-A.
Other names: short protein forms L905F.
Identifiers: ClinVar variation 4880901 (VCV004880901.2).